The following is an entry in ClinVar:

ClinVar aggregate classification (germline): Uncertain significance. Review status: criteria provided, multiple submitters, no conflicts (2 of 4 stars). 2 submissions from 2 submitters: Uncertain significance (2). Last evaluated 2025-02-26.

Allele frequency attached by ClinVar (database versions not stated): gnomAD exomes 0.00002; ExAC 0.00003; TOPMed 0.00005; gnomAD 0.00006 and 0.00007; 1000 Genomes Project 30x 0.00016; 1000 Genomes Project 0.00020.
gnomAD v4.1: 42 of 1,549,858 alleles (0.0027%); highest among the groups gnomAD compares: African/African-American, 0.0055%; no homozygotes.

Submissions (2):

Labcorp Genetics (formerly Invitae), Labcorp
Classification: Uncertain significance. Last evaluated: 2025-02-26. Review status: criteria provided, single submitter. Criteria: Invitae Variant Classification Sherloc (09022015). Collection method: clinical testing. Allele origin: germline.
Comment: This sequence change replaces proline, which is neutral and non-polar, with leucine, which is neutral and non-polar, at codon 619 of the MKL1 protein (p.Pro619Leu). The frequency data for this variant in the population databases is considered unreliable, as metrics indicate poor data quality at this position in the gnomAD database. This variant has not been reported in the literature in individuals affected with MKL1-related conditions. ClinVar contains an entry for this variant (Variation ID: 1682992). An algorithm developed to predict the effect of missense changes on protein structure and function outputs the following: PolyPhen-2: "Benign". The leucine amino acid residue is found in multiple mammalian species, which suggests that this missense change does not adversely affect protein function. In summary, the available evidence is currently insufficient to determine the role of this variant in disease. Therefore, it has been classified as a Variant of Uncertain Significance.

Breakthrough Genomics
Classification: Uncertain significance. Review status: criteria provided, single submitter. Criteria: ACMG Guidelines, 2015. Collection method: not provided. Allele origin: germline. Inheritance: Autosomal dominant inheritance. Affected: yes.

NM_020831.6(MRTFA):c.2156C>T (p.Pro719Leu)

Gene: MRTFA (myocardin related transcription factor A; minus strand). Cytogenetic location: 22q13.1.
Variant type: single nucleotide variant.
Coding change: c.2156C>T on transcript NM_020831.6 (MANE Select); coding-DNA position 2156, C replaced by T.
Protein change: p.Pro719Leu; replaces proline 719 with leucine.
Molecular consequence: missense variant.
Genome position (GRCh38, 1-based): chr22:40,418,582, G>A on the plus strand (C>T on the coding strand, the complement: MRTFA is on the minus strand). VCF-style: chr22-40418582-G-A. GRCh37 (hg19) VCF-style: chr22-40814586-G-A.
Other names: c.1856C>T, p.Pro619Leu (NM_001282660.2); c.2006C>T, p.Pro669Leu (NM_001282661.3); c.2156C>T, p.Pro719Leu (NM_001282662.3); c.1961C>T, p.Pro654Leu (NM_001318139.2); short protein forms P619L, P654L, P669L, P719L.
Identifiers: ClinVar variation 1682992 (VCV001682992.7), dbSNP rs531800537, ClinGen allele CA10249437.
Genomic context (GRCh38, chr22:40,418,582, plus strand): 5'-TGGGGGGCGGGGACCGGCTCGGGCTCAGGCTGCAAGGCTTCCTGCTTCACCACCACGGAC[G>A]GGGGCCCCGGGGCCACAGCACAAGGGTCTATGTGGTTGGTGGCTGGGGCCGCCAGGCTGG-3'
Protein context (NP_065882.2, residues 709-729): IDPCAVAPGP[Pro719Leu]SVVVKQEALQ